The following is an entry in ClinVar:

NM_004168.4(SDHA):c.-2A>T

Gene: SDHA (succinate dehydrogenase complex flavoprotein subunit A; plus strand). Cytogenetic location: 5p15.33.
Variant type: single nucleotide variant.
Coding change: c.-2A>T on transcript NM_004168.4 (MANE Select); 2 bases upstream of the start codon, A replaced by T.
Molecular consequence: 5 prime UTR variant.
Genome position (GRCh38, 1-based): chr5:218,354, A>T. VCF-style: chr5-218354-A-T. GRCh37 (hg19) VCF-style: chr5-218469-A-T.
Other names: c.-2A>T (NM_001294332.2, NM_001330758.2, NM_004168.3).
Identifiers: ClinVar variation 486359 (VCV000486359.15), dbSNP rs763680697, ClinGen allele CA3172671.
Genomic context (GRCh38, chr5:218,354, plus strand): 5'-GTGTGGTGCGCAGGCGCAGTCTGCGCAGGGACTGGCGGGACTGCGCGGCGGCAACAGCAG[A>T]CATGTCGGGGGTCCGGGGCCTGTCGCGGCTGCTGAGCGCTCGGCGCCTGGCGCTGGCCAA-3'

ClinVar aggregate classification (germline): Conflicting classifications of pathogenicity. Review status: criteria provided, conflicting classifications (1 of 4 stars). 8 submissions from 6 submitters: Uncertain significance (6); Benign (1); Likely benign (1). Last evaluated 2026-09-14.

Conditions:
SDHA-related disorder. Also called: SDHA-related condition; SDHA-related disorders.
Hereditary cancer-predisposing syndrome. Also called: Neoplastic Syndromes, Hereditary; Hereditary Cancer Syndrome; Tumor predisposition; Hereditary neoplastic syndrome. Identifiers: Orphanet 140162, MedGen C0027672, MeSH D009386, MONDO:0015356.
Hereditary pheochromocytoma and paraganglioma. Also called: Hereditary paragangliomas and pheochromocytomas; Hereditary pheochromocytoma-paraganglioma; Hereditary Paraganglioma-Pheochromocytoma Syndromes. Identifiers: Orphanet 29072, MedGen C4274332, MONDO:0017366.
Leigh syndrome (NULS). Also called: Leigh Syndrome (mtDNA deletion); LEIGH SYNDROME, NUCLEAR; Leigh's syndrome; Leigh's necrotizing encephalopathy; Leigh's disease; Leigh Disease. Identifiers: Orphanet 506, MedGen C2931891, MONDO:0009723, OMIM 256000.
Mitochondrial complex II deficiency, nuclear type 1. Also called: SUCCINATE CoQ REDUCTASE DEFICIENCY. Identifiers: Orphanet 3208, MedGen C5700310, MONDO:0100294, OMIM 252011.

Allele frequency attached by ClinVar (database versions not stated): gnomAD exomes 0.00005; ExAC 0.00010; TOPMed 0.00012; gnomAD 0.00022.
gnomAD v4.1: 45 of 1,458,956 alleles (0.0031%); highest among the groups gnomAD compares: African/African-American, 0.056%; no homozygotes.

Submissions (8):

PreventionGenetics, part of Exact Sciences
Classification: Uncertain significance for SDHA-related condition. Last evaluated: 2026-09-14. Review status: criteria provided, single submitter. Criteria: ACMG Guidelines, 2015. Collection method: clinical testing. Allele origin: germline.
Comment: The SDHA c.-2A>T variant is located in the 5' untranslated region. To our knowledge, this variant has not been reported in the literature. This variant is reported in 0.081% of alleles in individuals of African descent in gnomAD and has conflicting interpretation of benign and uncertain significance in ClinVar (Variation ID: 486359). Although we suspect that this variant may be benign, at this time, the clinical significance of this variant is uncertain due to the absence of conclusive functional and genetic evidence.

Ambry Genetics
Classification: Uncertain significance for Hereditary cancer-predisposing syndrome. Last evaluated: 2025-12-10. Review status: criteria provided, single submitter. Criteria: Ambry Variant Classification Scheme 2023. Collection method: clinical testing. Allele origin: germline.
Comment: The c.-2A>T variant is located in the 5' untranslated region (5&rsquo; UTR) of the SDHA gene. This variant results from an A to T substitution 2 bases upstream from the first translated codon. This nucleotide position is not well conserved in available vertebrate species. Based on the available evidence, the clinical significance of this variant remains unclear.

Mayo Clinic Laboratories, Mayo Clinic
Classification: Uncertain significance. Last evaluated: 2024-05-03. Review status: criteria provided, single submitter. Criteria: ACMG Guidelines, 2015. Collection method: clinical testing. Allele origin: germline. Observed: 1 variant allele.

Quest Diagnostics Nichols Institute San Juan Capistrano
Classification: Likely benign. Last evaluated: 2023-02-08. Review status: criteria provided, single submitter. Criteria: Quest Diagnostics criteria. Collection method: clinical testing. Allele origin: unknown.

Revvity Omics, Revvity
Classification: Uncertain significance. Last evaluated: 2022-12-22. Review status: criteria provided, single submitter. Criteria: ACMG Guidelines, 2015. Collection method: clinical testing. Allele origin: germline.

Illumina Laboratory Services, Illumina
Classification: Uncertain significance for Mitochondrial complex II deficiency, nuclear type 1. Last evaluated: 2018-01-13. Review status: criteria provided, single submitter. Criteria: ICSL Variant Classification Criteria 13 December 2019. Collection method: clinical testing. Allele origin: germline.

Illumina Laboratory Services, Illumina
Classification: Uncertain significance for Leigh syndrome. Last evaluated: 2018-01-13. Review status: criteria provided, single submitter. Criteria: ICSL Variant Classification Criteria 13 December 2019. Collection method: clinical testing. Allele origin: germline.

Illumina Laboratory Services, Illumina
Classification: Benign for Hereditary Paraganglioma-Pheochromocytoma Syndromes. Last evaluated: 2018-01-13. Review status: criteria provided, single submitter. Criteria: ICSL Variant Classification Criteria 13 December 2019. Collection method: clinical testing. Allele origin: germline.
Comment: This variant was observed in the ICSL laboratory as part of a predisposition screen in an ostensibly healthy population. It had not been previously curated by ICSL or reported in the Human Gene Mutation Database (HGMD: prior to June 1st, 2018), and was therefore a candidate for classification through an automated scoring system. Utilizing variant allele frequency, disease prevalence and penetrance estimates, and inheritance mode, an automated score was calculated to assess if this variant is too frequent to cause the disease. Based on the score and internal cut-off values, a variant classified as benign is not then subjected to further curation. The score for this variant resulted in a classification of benign for this disease.

Literature cited by the submitters: PubMed 32462735 (cited by Ambry Genetics).